The following is an entry in ClinVar:

NM_002382.5(MAX):c.172-6163A>G

Gene: MAX (MYC associated transcriptional regulator X; minus strand). Cytogenetic location: 14q23.3.
Variant type: single nucleotide variant.
Coding change: c.172-6163A>G on transcript NM_002382.5 (MANE Select); 6163 bases into the intron before coding-DNA position 172, A replaced by G.
Molecular consequence: intron variant. On other transcripts: missense variant (3), 3 prime UTR variant (1), non-coding transcript variant (4).
Genome position (GRCh38, 1-based): chr14:65,084,199, T>C on the plus strand (A>G on the coding strand, the complement: MAX is on the minus strand). VCF-style: chr14-65084199-T-C. GRCh37 (hg19) VCF-style: chr14-65550917-T-C.
Other names: c.245A>G, p.Lys82Arg (NM_001271068.2, NM_001407113.1); c.*46A>G (NM_001407114.1); c.272A>G, p.Lys91Arg (NM_145114.3); c.144+9509A>G (NM_001271069.2); c.171+9509A>G (NM_197957.4); c.-196-6163A>G (NM_001407112.1, NM_001407111.1); c.-103-6163A>G (NM_001407106.1, NM_001407107.1, NM_001320415.2 and 1 more transcripts); c.145-6163A>G (NM_001407095.1, NM_001407110.1, NM_001407102.1 and 6 more transcripts); and 2 more; short protein forms K82R, K91R.
Identifiers: ClinVar variation 5023950 (VCV005023950.1).

ClinVar aggregate classification (germline): Uncertain significance (1 of 4 stars; one submission).

Conditions:
Hereditary cancer-predisposing syndrome. Also called: Neoplastic Syndromes, Hereditary; Tumor predisposition; Hereditary neoplastic syndrome; Hereditary Cancer Syndrome. Identifiers: Orphanet 140162, MedGen C0027672, MeSH D009386, MONDO:0015356.

gnomAD v4.1: 4 of 1,614,126 alleles (0.00025%); highest among the groups gnomAD compares: East Asian, 0.0022%; no homozygotes.

Submission:

Ambry Genetics
Classification: Uncertain significance for Hereditary cancer-predisposing syndrome. Last evaluated: 2026-07-06. Review status: criteria provided, single submitter. Criteria: Ambry Variant Classification Scheme 2023. Collection method: clinical testing. Allele origin: germline.
Comment: The p.K91R variant (also known as c.272A>G), located in coding exon 4 of the MAX gene, results from an A to G substitution at nucleotide position 272. The lysine at codon 91 is replaced by arginine, an amino acid with highly similar properties. This amino acid position is conserved. In addition, this alteration is predicted to be tolerated by in silico analysis. Based on the available evidence, the clinical significance of this variant remains unclear.